The following is an entry in ClinVar:

ClinVar aggregate classification (germline): Conflicting classifications of pathogenicity. Review status: criteria provided, conflicting classifications (1 of 4 stars). 8 submissions from 8 submitters: Uncertain significance (4); Likely benign (2). 2 of the submissions do not count toward it. Last evaluated 2025-12-09.

Conditions:
SACS-related disorder. Also called: SACS-related condition.
Spastic paraplegia. Identifiers: MedGen C0037772, HP:0001258.
Charlevoix-Saguenay spastic ataxia (SACS). Also called: AUTOSOMAL RECESSIVE SPASTIC ATAXIA OF CHARLEVOIX-SAGUENAY; Spastic ataxia of Charlevoix-Saguenay; SPASTIC ATAXIA 6, AUTOSOMAL RECESSIVE. Identifiers: Orphanet 98, MedGen C1849140, MONDO:0010041, OMIM 270550.

Allele frequency attached by ClinVar (database versions not stated): ExAC 0.00006; gnomAD exomes 0.00007; ESP Exome Variant Server 0.00008; 1000 Genomes Project 30x 0.00016; 1000 Genomes Project 0.00020; gnomAD 0.00031 and 0.00032; TOPMed 0.00032.
gnomAD v4.1: 123 of 1,614,212 alleles (0.0076%); highest among the groups gnomAD compares: African/African-American, 0.11%; no homozygotes.

Submissions (8):

Labcorp Genetics (formerly Invitae), Labcorp
Classification: Likely benign for Spastic paraplegia. Last evaluated: 2025-12-09. Review status: criteria provided, single submitter. Criteria: Invitae Variant Classification Sherloc (09022015). Collection method: clinical testing. Allele origin: germline.

Mayo Clinic Laboratories, Mayo Clinic
Classification: Uncertain significance. Last evaluated: 2025-10-03. Review status: criteria provided, single submitter. Criteria: ACMG Guidelines, 2015. Collection method: clinical testing. Allele origin: germline. Observed: 1 variant allele.
Comment: BP4_moderate

CeGaT Center for Human Genetics Tuebingen
Classification: Uncertain significance. Last evaluated: 2024-09-01. Review status: criteria provided, single submitter. Criteria: CeGaT Center For Human Genetics Tuebingen Variant Classification Criteria Version 2. Collection method: clinical testing. Allele origin: germline. Affected: yes. Observed: 1 variant allele.
Comment: SACS: PM2:Supporting, BP4

Greenwood Genetic Center Diagnostic Laboratories, Greenwood Genetic Center
Classification: Uncertain significance. Last evaluated: 2022-04-04. Review status: criteria provided, single submitter. Criteria: ACMG Guidelines, 2015. Collection method: clinical testing. Allele origin: germline. Affected: yes.
Comment: PM2

Genome-Nilou Lab
Classification: Likely benign for Charlevoix-Saguenay spastic ataxia. Last evaluated: 2021-09-05. Review status: criteria provided, single submitter. Criteria: ACMG Guidelines, 2015. Collection method: clinical testing. Allele origin: germline. Affected: no.

GeneDx
Classification: Uncertain significance. Last evaluated: 2020-01-03. Review status: criteria provided, single submitter. Criteria: GeneDx Variant Classification Process June 2021. Collection method: clinical testing. Allele origin: germline. Affected: yes.
Comment: Reported as a variant of uncertain significance in the homozygous state in two siblings with developmental delay and craniofacial dysmorphism (Volk et al., 2015); In silico analysis, which includes protein predictors and evolutionary conservation, supports that this variant does not alter protein structure/function; This variant is associated with the following publications: (PMID: 25852444)

PreventionGenetics, part of Exact Sciences
Classification: Uncertain significance for SACS-related condition. Last evaluated: 2024-02-27. Review status: no assertion criteria provided. Collection method: clinical testing. Allele origin: germline. Not counted in ClinVar's aggregate classification.
Comment: The SACS c.1562G>C variant is predicted to result in the amino acid substitution p.Ser521Thr. This variant has been reported in the homozygous state in two siblings with dysmorphic facies and global developmental delay (Case 5, Table 2, Volk et al. 2015. PubMed ID: 25852444). This variant is reported in 0.076% of alleles in individuals of African descent in gnomAD. At this time, the clinical significance of this variant is uncertain due to the absence of conclusive functional and genetic evidence.

Natera, Inc.
Classification: Uncertain significance for Charlevoix-Saguenay type spastic ataxia. Last evaluated: 2020-09-16. Review status: no assertion criteria provided. Collection method: clinical testing. Allele origin: germline. Not counted in ClinVar's aggregate classification.

Literature cited by the submitters: PubMed 25852444 (cited by Mayo Clinic Laboratories, Mayo Clinic).

NM_014363.6(SACS):c.1562G>C (p.Ser521Thr)

Gene: SACS (sacsin molecular chaperone; minus strand). Cytogenetic location: 13q12.12.
Variant type: single nucleotide variant.
Coding change: c.1562G>C on transcript NM_014363.6 (MANE Select); coding-DNA position 1562, G replaced by C.
Protein change: p.Ser521Thr; replaces serine 521 with threonine.
Molecular consequence: missense variant.
Genome position (GRCh38, 1-based): chr13:23,355,050, C>G on the plus strand (G>C on the coding strand, the complement: SACS is on the minus strand). VCF-style: chr13-23355050-C-G. GRCh37 (hg19) VCF-style: chr13-23929189-C-G.
Other names: p.Ser521Thr; c.1121G>C, p.Ser374Thr (NM_001278055.2); c.1562G>C (NM_014363.4); short protein forms S521T, S374T.
Identifiers: ClinVar variation 575000 (VCV000575000.33), dbSNP rs190617851, ClinGen allele CA6911896.